The following is an entry in ClinVar:

ClinVar aggregate classification (germline): Uncertain significance (1 of 4 stars; one submission).

Submission:

GeneDx
Classification: Uncertain significance. Last evaluated: 2022-12-09. Review status: criteria provided, single submitter. Criteria: GeneDx Variant Classification Process June 2021. Collection method: clinical testing. Allele origin: germline. Affected: yes.
Comment: Not observed at significant frequency in large population cohorts (gnomAD); In silico analysis supports that this missense variant has a deleterious effect on protein structure/function; Has not been previously published as pathogenic or benign to our knowledge

NM_198173.3(GRHL3):c.948C>G (p.Asp316Glu)

Gene: GRHL3 (grainyhead like transcription factor 3; plus strand). Cytogenetic location: 1p36.11.
Variant type: single nucleotide variant.
Coding change: c.948C>G on transcript NM_198173.3 (MANE Select); coding-DNA position 948, C replaced by G.
Protein change: p.Asp316Glu; replaces aspartic acid 316 with glutamic acid.
Molecular consequence: missense variant.
Genome position (GRCh38, 1-based): chr1:24,338,099, C>G. VCF-style: chr1-24338099-C-G. GRCh37 (hg19) VCF-style: chr1-24664589-C-G.
Other names: c.810C>G, p.Asp270Glu (NM_001195010.2); c.963C>G, p.Asp321Glu (NM_021180.4); c.948C>G, p.Asp316Glu (NM_198174.3); short protein forms D270E, D316E, D321E.
Identifiers: ClinVar variation 2504738 (VCV002504738.1), dbSNP rs369797169, ClinGen allele CA339046032.
Genomic context (GRCh38, chr1:24,338,099, plus strand): 5'-GCTGCGCTTCTGGAAGCACTGGCATTCCCGGCAACCCACTGCCAAGCAGCGGGTCATTGA[C>G]GTGGGTGAGAGCCTTCTCAAGCCTCCATTCCAGCTCCCCTCTCTCTCCCCACCCCCGCAT-3'
Protein context (NP_937816.1, residues 306-326): RQPTAKQRVI[Asp316Glu]VADCKENFNT